The following is an entry in ClinVar:

NM_015047.3(EMC1):c.1287_1289del (p.Leu431del)

Genes: EMC1 (ER membrane protein complex subunit 1; minus strand), EMC1-AS1 (EMC1 antisense RNA 1; plus strand). Cytogenetic location: 1p36.13.
Variant type: Deletion.
Coding change: c.1287_1289del on transcript NM_015047.3 (MANE Select); coding-DNA positions 1287 to 1289, 3 bases deleted (GCT; older notation c.1287_1289delGCT).
Protein change: p.Leu431del; deletes leucine 431.
Molecular consequence: inframe deletion.
Genome position (GRCh38, 1-based): chr1:19,237,162-19,237,164, AGC deleted on the plus strand (GCT on the coding strand, the reverse complement: EMC1 is on the minus strand); deleting any 3 consecutive bases within chr1:19,237,162-19,237,166 gives the same sequence; the c. name uses the placement nearest the transcript's 3' end. VCF-style (leftmost placement, unchanged base first): chr1-19237161-TAGC-T. GRCh37 (hg19) VCF-style: chr1-19563655-TAGC-T.
Other names: c.1284_1286del, p.Leu430del (NM_001271427.2, NM_001375821.1); c.1287_1289del, p.Leu431del (NM_001271428.2, NM_001375820.1); c.1221_1223del, p.Leu409del (NM_001271429.2); short protein forms L430del, L409del, L431del.
Identifiers: ClinVar variation 2091521 (VCV002091521.4), dbSNP rs2536760440, ClinGen allele CA2580061426.

ClinVar aggregate classification (germline): Uncertain significance (1 of 4 stars; one submission).

Submission:

Labcorp Genetics (formerly Invitae), Labcorp
Classification: Uncertain significance. Last evaluated: 2022-02-01. Review status: criteria provided, single submitter. Criteria: Invitae Variant Classification Sherloc (09022015). Collection method: clinical testing. Allele origin: germline.
Comment: In summary, the available evidence is currently insufficient to determine the role of this variant in disease. Therefore, it has been classified as a Variant of Uncertain Significance. This variant, c.1287_1289del, results in the deletion of 1 amino acid(s) of the EMC1 protein (p.Leu431del), but otherwise preserves the integrity of the reading frame. This variant is not present in population databases (gnomAD no frequency). This variant has not been reported in the literature in individuals affected with EMC1-related conditions. Experimental studies and prediction algorithms are not available or were not evaluated, and the functional significance of this variant is currently unknown.